The following is an entry in ClinVar:

ClinVar aggregate classification (germline): Uncertain significance (1 of 4 stars; one submission).

Conditions:
Epileptic encephalopathy. Identifiers: MedGen C0543888, HP:0200134.

Submission:

Labcorp Genetics (formerly Invitae), Labcorp
Classification: Uncertain significance for Epileptic encephalopathy. Last evaluated: 2021-07-12. Review status: criteria provided, single submitter. Criteria: Invitae Variant Classification Sherloc (09022015). Collection method: clinical testing. Allele origin: germline.
Comment: This sequence change replaces glutamine with histidine at codon 271 of the FASN protein (p.Gln271His). The glutamine residue is moderately conserved and there is a small physicochemical difference between glutamine and histidine. This variant is not present in population databases (ExAC no frequency). This variant has not been reported in the literature in individuals affected with FASN-related conditions. Algorithms developed to predict the effect of missense changes on protein structure and function are either unavailable or do not agree on the potential impact of this missense change (SIFT: "Deleterious"; PolyPhen-2: "Possibly Damaging"; Align-GVGD: "Class C0"). In summary, the available evidence is currently insufficient to determine the role of this variant in disease. Therefore, it has been classified as a Variant of Uncertain Significance.

NM_004104.5(FASN):c.813G>C (p.Gln271His)

Gene: FASN (fatty acid synthase; minus strand). Cytogenetic location: 17q25.3.
Variant type: single nucleotide variant.
Coding change: c.813G>C on transcript NM_004104.5 (MANE Select); coding-DNA position 813, G replaced by C.
Protein change: p.Gln271His; replaces glutamine 271 with histidine.
Molecular consequence: missense variant.
Genome position (GRCh38, 1-based): chr17:82,092,778, C>G on the plus strand (G>C on the coding strand, the complement: FASN is on the minus strand). VCF-style: chr17-82092778-C-G. GRCh37 (hg19) VCF-style: chr17-80050654-C-G.
Other names: short protein forms Q271H.
Identifiers: ClinVar variation 1467642 (VCV001467642.8), dbSNP rs150075575, ClinGen allele CA401562979.